The following is an entry in ClinVar:

NM_005619.5(RTN2):c.257C>T (p.Pro86Leu)

Genes: OPA3-RTN2 (OPA3-RTN2 readthrough; minus strand), RTN2 (reticulon 2; minus strand). Cytogenetic location: 19q13.32.
Variant type: single nucleotide variant.
Coding change: c.257C>T on transcript NM_005619.5 (MANE Select); coding-DNA position 257, C replaced by T.
Protein change: p.Pro86Leu; replaces proline 86 with leucine.
Molecular consequence: missense variant.
Genome position (GRCh38, 1-based): chr19:45,494,828, G>A on the plus strand (C>T on the coding strand, the complement: RTN2 is on the minus strand). VCF-style: chr19-45494828-G-A. GRCh37 (hg19) VCF-style: chr19-45998086-G-A.
Other names: c.257C>T, p.Pro86Leu (NM_206900.3); short protein forms P86L.
Identifiers: ClinVar variation 406262 (VCV000406262.8), dbSNP rs758002007, ClinGen allele CA9516301.
Genomic context (GRCh38, chr19:45,494,828, plus strand): 5'-CCCAGGCTGGGCTGAGGGTGCTGGTCTCGTGGTTCCGAGACTGAGCGGCCCTGGGGGCGG[G>A]GGCGGCGGGCAGTTGAATCCCTGCGGCCCCCGGAGCCCACTACACCATCAAAGGCGATGT-3'
Protein context (NP_005610.1, residues 76-96): GGRRDSTARR[Pro86Leu]RPQGRSVSEP

ClinVar aggregate classification (germline): Uncertain significance (1 of 4 stars; one submission).

Conditions:
Spastic paraplegia. Identifiers: MedGen C0037772, HP:0001258.

Allele frequency attached by ClinVar (database versions not stated): TOPMed 0.00001.
gnomAD v4.1: 15 of 1,603,494 alleles (0.00094%); highest among the groups gnomAD compares: South Asian, 0.0033%; no homozygotes.

Submission:

Labcorp Genetics (formerly Invitae), Labcorp
Classification: Uncertain significance for Spastic paraplegia. Last evaluated: 2016-07-15. Review status: criteria provided, single submitter. Criteria: Invitae Variant Classification Sherloc (09022015). Collection method: clinical testing. Allele origin: germline.
Comment: This sequence change replaces proline with leucine at codon 86 of the RTN2 protein (p.Pro86Leu). The proline residue is weakly conserved and there is a moderate physicochemical difference between proline and leucine. In summary, this variant is a rare missense change with uncertain impact on protein function. There is no indication that it causes disease, but the available evidence is currently insufficient to prove that conclusively. Therefore, it has been classified as a Variant of Uncertain Significance. Algorithms developed to predict the effect of missense changes on protein structure and function do not agree on the potential impact of this missense change (SIFT: "Tolerated"; PolyPhen-2: "Possibly Damaging"; Align-GVGD: "Class C0"). This variant is present in population databases at a very low frequency (rs758002007, ExAC <0.01%) but has not been reported in the literature in individuals with a RTN2-related disease.